The following is an entry in ClinVar:

ClinVar aggregate classification (germline): Uncertain significance (1 of 4 stars; one submission).

Submission:

GeneDx
Classification: Uncertain significance. Last evaluated: 2024-09-05. Review status: criteria provided, single submitter. Criteria: GeneDx Variant Classification Process June 2021. Collection method: clinical testing. Allele origin: germline. Affected: yes.
Comment: Not observed at significant frequency in large population cohorts (gnomAD); In silico analysis supports that this missense variant has a deleterious effect on protein structure/function; Has not been previously published as pathogenic or benign to our knowledge

NM_014053.4(FLVCR1):c.898C>G (p.Pro300Ala)

Gene: FLVCR1 (FLVCR choline and heme transporter 1; plus strand). Cytogenetic location: 1q32.3.
Variant type: single nucleotide variant.
Coding change: c.898C>G on transcript NM_014053.4 (MANE Select); coding-DNA position 898, C replaced by G.
Protein change: p.Pro300Ala; replaces proline 300 with alanine.
Molecular consequence: missense variant.
Genome position (GRCh38, 1-based): chr1:212,872,692, C>G. VCF-style: chr1-212872692-C-G. GRCh37 (hg19) VCF-style: chr1-213046034-C-G.
Other names: short protein forms P300A.
Identifiers: ClinVar variation 3767792 (VCV003767792.1).